The following is an entry in ClinVar:

NM_000297.4(PKD2):c.737_740dup (p.Tyr248fs)

Gene: PKD2 (polycystin 2, transient receptor potential cation channel; plus strand). Cytogenetic location: 4q22.1.
Variant type: Duplication.
Coding change: c.737_740dup on transcript NM_000297.4 (MANE Select); coding-DNA positions 737 to 740, 4 bases duplicated (TGTA; older notation c.737_740dupTGTA).
Protein change: p.Tyr248fs; shifts the reading frame from tyrosine 248.
Molecular consequence: frameshift variant. On other transcripts: non-coding transcript variant (1).
Genome position (GRCh38, 1-based): chr4:88,036,247-88,036,250, TGTA duplicated. VCF-style (leftmost placement, unchanged base first): chr4-88036246-G-GTGTA. GRCh37 (hg19) VCF-style: chr4-88957398-G-GTGTA.
Other names: short protein forms Y248fs.
Identifiers: ClinVar variation 3383024 (VCV003383024.2).

ClinVar aggregate classification (germline): Pathogenic (1 of 4 stars; one submission).

Conditions:
Polycystic kidney disease 2 (PKD2). Also called: POLYCYSTIC KIDNEY DISEASE, ADULT, TYPE II; Polycystic Kidney Disease 2, Autosomal Dominant; POLYCYSTIC KIDNEY DISEASE 2 WITH OR WITHOUT POLYCYSTIC LIVER DISEASE. Identifiers: MedGen C2751306, MONDO:0013131, OMIM 613095.

Submission:

Juno Genomics, Hangzhou Juno Genomics, Inc
Classification: Pathogenic for Polycystic kidney disease 2. Review status: criteria provided, single submitter. Criteria: ACMG Guidelines, 2015. Collection method: clinical testing. Allele origin: germline. Affected: yes.
Comment: Absent from controls (or at extremely low frequency if recessive) in Genome Aggregation Database, Exome Sequencing Project, 1000 Genomes Project, or Exome Aggregation Consortium.;Null variant in a gene where loss of function (LOF) is a known mechanism of disease.